The following is an entry in ClinVar:

NM_006514.4(SCN10A):c.3087+15C>T

Genes: SCN10A (sodium voltage-gated channel alpha subunit 10; minus strand), LOC110121288 (VISTA enhancer hs2268; plus strand). Cytogenetic location: 3p22.2.
Variant type: single nucleotide variant.
Coding change: c.3087+15C>T on transcript NM_006514.4 (MANE Select); 15 bases into the intron after coding-DNA position 3087, C replaced by T.
Molecular consequence: intron variant.
Genome position (GRCh38, 1-based): chr3:38,726,591, G>A on the plus strand (C>T on the coding strand, the complement: SCN10A is on the minus strand). VCF-style: chr3-38726591-G-A. GRCh37 (hg19) VCF-style: chr3-38768082-G-A.
Other names: c.2793+15C>T (NM_001293307.2); c.3087+15C>T (NM_001293306.2).
Identifiers: ClinVar variation 384708 (VCV000384708.16), dbSNP rs140924179, ClinGen allele CA2320372.
Genomic context (GRCh38, chr3:38,726,591, plus strand): 5'-CCTTTTGCCCTTTGTCACTCAAGCCCTGAAGCCCCTCCCCACTGCCTGTGGCTGTCCCTT[G>A]GGGATAACTCTTACCTGTCCTTTGGGGATCACTTCCTGCTGGAAGCTCTGAGCATCTTCC-3'

ClinVar aggregate classification (germline): Benign/Likely benign. Review status: criteria provided, multiple submitters, no conflicts (2 of 4 stars). 7 submissions from 7 submitters: Benign (4); Likely benign (1). 2 of the submissions do not count toward it. Last evaluated 2026-01-28.

Conditions:
Episodic pain syndrome, familial, 2 (FEPS2). Identifiers: Orphanet 306577, MedGen C3809893, MONDO:0014246, OMIM 615551.
Brugada syndrome. Also called: Sudden unexpected nocturnal death syndrome; Sudden Unexplained Death Syndrome; Sudden Unexplained Nocturnal Death Syndrome (SUNDS); Sudden unexplained nocturnal death syndrome. Identifiers: Orphanet 130, MedGen C1142166, MONDO:0015263.

Allele frequency attached by ClinVar (database versions not stated): ESP Exome Variant Server 0.00015; gnomAD exomes 0.00283 and 0.01259; gnomAD 0.00650 and 0.00659; 1000 Genomes Project 0.00759; 1000 Genomes Project 30x 0.00843; TOPMed 0.00965; ExAC 0.00971.
gnomAD v4.1: 4,973 of 1,555,164 alleles (0.32%); highest among the groups gnomAD compares: Admixed American, 6.7%; 188 homozygotes.

Submissions (7):

Labcorp Genetics (formerly Invitae), Labcorp
Classification: Benign for Brugada syndrome. Last evaluated: 2026-01-28. Review status: criteria provided, single submitter. Criteria: Invitae Variant Classification Sherloc (09022015). Collection method: clinical testing. Allele origin: germline.

Women's Health and Genetics/Laboratory Corporation of America, LabCorp
Classification: Benign. Last evaluated: 2023-12-03. Review status: criteria provided, single submitter. Criteria: LabCorp Variant Classification Summary - May 2015. Collection method: clinical testing. Allele origin: germline.

Fulgent Genetics
Classification: Likely benign for Episodic pain syndrome, familial, 2. Last evaluated: 2021-10-22. Review status: criteria provided, single submitter. Criteria: ACMG Guidelines, 2015. Collection method: clinical testing. Allele origin: unknown.

GeneDx
Classification: Benign. Last evaluated: 2016-11-30. Review status: criteria provided, single submitter. Criteria: GeneDx Variant Classification (06012015). Collection method: clinical testing. Allele origin: germline. Affected: yes.
Comment: This variant is considered likely benign or benign based on one or more of the following criteria: it is a conservative change, it occurs at a poorly conserved position in the protein, it is predicted to be benign by multiple in silico algorithms, and/or has population frequency not consistent with disease.

Breakthrough Genomics
Classification: Benign. Review status: criteria provided, single submitter. Criteria: ACMG Guidelines, 2015. Collection method: not provided. Allele origin: germline. Inheritance: Autosomal dominant inheritance. Affected: yes.

Clinical Genetics, Academic Medical Center
Classification: Benign. Review status: no assertion criteria provided. Collection method: clinical testing. Allele origin: germline. Affected: yes. Study: VKGL Data-share Consensus. Not counted in ClinVar's aggregate classification.

Joint Genome Diagnostic Labs from Nijmegen and Maastricht, Radboudumc and MUMC+
Classification: Likely benign. Review status: no assertion criteria provided. Collection method: clinical testing. Allele origin: germline. Affected: yes. Study: VKGL Data-share Consensus. Not counted in ClinVar's aggregate classification.